The following is an entry in ClinVar:

NM_006015.6(ARID1A):c.4114C>A (p.Pro1372Thr)

Gene: ARID1A (AT-rich interaction domain 1A; plus strand). Cytogenetic location: 1p36.11.
Variant type: single nucleotide variant.
Coding change: c.4114C>A on transcript NM_006015.6 (MANE Select); coding-DNA position 4114, C replaced by A.
Protein change: p.Pro1372Thr; replaces proline 1372 with threonine.
Molecular consequence: missense variant. On other transcripts: intron variant (1).
Genome position (GRCh38, 1-based): chr1:26,774,341, C>A. VCF-style: chr1-26774341-C-A. GRCh37 (hg19) VCF-style: chr1-27100832-C-A.
Other names: c.4101+443C>A (NM_139135.4); short protein forms P1372T.
Identifiers: ClinVar variation 1031598 (VCV001031598.4), dbSNP rs745873673, ClinGen allele CA707422.
Genomic context (GRCh38, chr1:26,774,341, plus strand): 5'-TCCCTGAGTGCAGAGTATTAACTTCCCCTCTGCTTGTCTCTGCCTTAGAATTACAAGCGG[C>A]CAATGGATGGCACATATGGCCCTCCTGCCAAGCGGCACGAAGGGGAGATGTACAGCGTGC-3'
Protein context (NP_006006.3, residues 1362-1382): YQQQQQNYKR[Pro1372Thr]MDGTYGPPAK

ClinVar aggregate classification (germline): Conflicting classifications of pathogenicity. Review status: criteria provided, conflicting classifications (1 of 4 stars). 3 submissions from 3 submitters: Uncertain significance (2); Benign (1). Last evaluated 2024-10-23.

Conditions:
Intellectual disability, autosomal dominant 14 (CSS2). Also called: COFFIN-SIRIS SYNDROME 2. Identifiers: Orphanet 1465, MedGen C3553247, MONDO:0013819, OMIM 614607.

gnomAD v4.1: 1 of 1,540,252 alleles (0.000065%); highest among the groups gnomAD compares: Admixed American, 0.002%; no homozygotes.

Submissions (3):

Labcorp Genetics (formerly Invitae), Labcorp
Classification: Benign. Last evaluated: 2024-10-23. Review status: criteria provided, single submitter. Criteria: Invitae Variant Classification Sherloc (09022015). Collection method: clinical testing. Allele origin: germline.

Daryl Scott Lab, Baylor College of Medicine
Classification: Uncertain significance for Intellectual disability, autosomal dominant 14. Last evaluated: 2024-01-01. Review status: criteria provided, single submitter. Criteria: ACMG Guidelines, 2015. Collection method: clinical testing. Allele origin: unknown. Observed: 1 heterozygote.
Comment: PM2, PP3

Baylor Genetics
Classification: Uncertain significance for Intellectual disability, autosomal dominant 14. Last evaluated: 2018-03-07. Review status: criteria provided, single submitter. Criteria: ACMG Guidelines, 2015. Collection method: clinical testing. Allele origin: unknown. Affected: yes.
Comment: This variant was determined to be of uncertain significance according to ACMG Guidelines, 2015 [PMID:25741868].